The following is an entry in ClinVar:

NM_033380.3(COL4A5):c.1032+1G>C

Gene: COL4A5 (collagen type IV alpha 5 chain; plus strand). Cytogenetic location: Xq22.3.
Variant type: single nucleotide variant.
Coding change: c.1032+1G>C on transcript NM_033380.3 (MANE Select); the canonical splice donor site of the intron after coding-DNA position 1032, G replaced by C.
Molecular consequence: splice donor variant.
Genome position (GRCh38, 1-based): chrX:108,584,526, G>C. VCF-style: chrX-108584526-G-C. GRCh37 (hg19) VCF-style: chrX-107827756-G-C.
Other names: c.1032+1G>C (NM_000495.5).
Identifiers: ClinVar variation 585536 (VCV000585536.11), dbSNP rs1569491753, ClinGen allele CA413929223.

ClinVar aggregate classification (germline): Pathogenic/Likely pathogenic. Review status: criteria provided, multiple submitters, no conflicts (2 of 4 stars). 2 submissions from 2 submitters: Pathogenic (1); Likely pathogenic (1). Last evaluated 2020-01-30.

Submissions (2):

Labcorp Genetics (formerly Invitae), Labcorp
Classification: Likely pathogenic. Last evaluated: 2020-01-30. Review status: criteria provided, single submitter. Criteria: Invitae Variant Classification Sherloc (09022015). Collection method: clinical testing. Allele origin: germline.
Comment: This sequence change affects a donor splice site in intron 18 of the COL4A5 gene. It is expected to disrupt RNA splicing and likely results in an absent or disrupted protein product. In summary, the currently available evidence indicates that the variant is pathogenic, but additional data are needed to prove that conclusively. Therefore, this variant has been classified as Likely Pathogenic. Donor and acceptor splice site variants typically lead to a loss of protein function (PMID: 16199547), and loss-of-function variants in COL4A5 are known to be pathogenic (PMID: 9195222, 10752524, 14514738, 24854265, 26809805). Algorithms developed to predict the effect of sequence changes on RNA splicing suggest that this variant may disrupt the consensus splice site, but this prediction has not been confirmed by published transcriptional studies. This variant has not been reported in the literature in individuals with COL4A5-related conditions. ClinVar contains an entry for this variant (Variation ID: 585536). This variant is not present in population databases (ExAC no frequency).

Athena Diagnostics
Classification: Pathogenic. Last evaluated: 2018-05-16. Review status: criteria provided, single submitter. Criteria: Athena Diagnostics Criteria. Collection method: clinical testing. Allele origin: germline.

Literature cited by the submitters: PubMed 16199547 (cited by Labcorp Genetics (formerly Invitae), Labcorp); PubMed 9195222 (cited by Labcorp Genetics (formerly Invitae), Labcorp); PubMed 10752524 (cited by Labcorp Genetics (formerly Invitae), Labcorp); PubMed 14514738 (cited by Labcorp Genetics (formerly Invitae), Labcorp); PubMed 24854265 (cited by Labcorp Genetics (formerly Invitae), Labcorp); PubMed 26809805 (cited by Labcorp Genetics (formerly Invitae), Labcorp).